The following is an entry in ClinVar:

NM_014314.4(RIGI):c.290T>C (p.Ile97Thr)

Gene: RIGI (RNA sensor RIG-I; minus strand). Cytogenetic location: 9p21.1.
Variant type: single nucleotide variant.
Coding change: c.290T>C on transcript NM_014314.4 (MANE Select); coding-DNA position 290, T replaced by C.
Protein change: p.Ile97Thr; replaces isoleucine 97 with threonine.
Molecular consequence: missense variant. On other transcripts: 5 prime UTR variant (3).
Genome position (GRCh38, 1-based): chr9:32,493,894, A>G on the plus strand (T>C on the coding strand, the complement: RIGI is on the minus strand). VCF-style: chr9-32493894-A-G. GRCh37 (hg19) VCF-style: chr9-32493892-A-G.
Other names: c.290T>C, p.Ile97Thr (NM_001385907.1, NM_001385909.1, NM_001385913.1); c.-165T>C (NM_001385910.1, NM_001385914.1); c.-172T>C (NM_001385912.1); short protein forms I97T.
Identifiers: ClinVar variation 2798557 (VCV002798557.3), dbSNP rs375479494, ClinGen allele CA192384915.

ClinVar aggregate classification (germline): Uncertain significance (1 of 4 stars; one submission).

Allele frequency attached by ClinVar (database versions not stated): TOPMed below 0.00001; gnomAD exomes below 0.00001; gnomAD 0.00001; ESP Exome Variant Server 0.00008.
gnomAD v4.1: 4 of 1,608,618 alleles (0.00025%); highest among the groups gnomAD compares: African/African-American, 0.0027%; no homozygotes.

Submission:

Labcorp Genetics (formerly Invitae), Labcorp
Classification: Uncertain significance. Last evaluated: 2025-06-22. Review status: criteria provided, single submitter. Criteria: Invitae Variant Classification Sherloc (09022015). Collection method: clinical testing. Allele origin: germline.
Comment: This sequence change replaces isoleucine, which is neutral and non-polar, with threonine, which is neutral and polar, at codon 97 of the DDX58 protein (p.Ile97Thr). This variant is present in population databases (rs375479494, gnomAD 0.0009%). This variant has not been reported in the literature in individuals affected with DDX58-related conditions. ClinVar contains an entry for this variant (Variation ID: 2798557). An algorithm developed to predict the effect of missense changes on protein structure and function (PolyPhen-2) suggests that this variant is likely to be disruptive. In summary, the available evidence is currently insufficient to determine the role of this variant in disease. Therefore, it has been classified as a Variant of Uncertain Significance.